The following is an entry in ClinVar:

ClinVar aggregate classification (germline): Pathogenic. Review status: criteria provided, multiple submitters, no conflicts (2 of 4 stars). 2 submissions from 2 submitters: Pathogenic (2). Last evaluated 2026-03-03.

Conditions:
Complex cortical dysplasia with other brain malformations 1. Identifiers: Orphanet 300570, MedGen C3808397, MONDO:0013541, OMIM 614039.

Submissions (2):

Institute of Medical Genetics and Applied Genomics, University Hospital Tübingen
Classification: Pathogenic for Complex cortical dysplasia with other brain malformations 1. Last evaluated: 2026-03-03. Review status: criteria provided, single submitter. Criteria: ACMG Guidelines, 2015. Collection method: clinical testing. Allele origin: de novo. Inheritance: Autosomal dominant inheritance. Affected: yes.

GeneDx
Classification: Pathogenic. Last evaluated: 2022-11-22. Review status: criteria provided, single submitter. Criteria: GeneDx Variant Classification Process June 2021. Collection method: clinical testing. Allele origin: germline. Affected: yes.
Comment: In silico analysis, which includes protein predictors and evolutionary conservation, supports a deleterious effect; The majority of missense variants in this gene are considered pathogenic (HGMD); Not observed in large population cohorts (gnomAD); This variant is associated with the following publications: (PMID: 31487502, 31618753)

NM_006086.4(TUBB3):c.1172G>T (p.Arg391Leu)

Gene: TUBB3 (tubulin beta 3 class III; plus strand). Cytogenetic location: 16q24.3.
Variant type: single nucleotide variant.
Coding change: c.1172G>T on transcript NM_006086.4 (MANE Select); coding-DNA position 1172, G replaced by T.
Protein change: p.Arg391Leu; replaces arginine 391 with leucine.
Molecular consequence: missense variant.
Genome position (GRCh38, 1-based): chr16:89,935,623, G>T. VCF-style: chr16-89935623-G-T. GRCh37 (hg19) VCF-style: chr16-90002031-G-T.
Other names: c.956G>T, p.Arg319Leu (NM_001197181.2); short protein forms R319L, R391L.
Identifiers: ClinVar variation 265354 (VCV000265354.4), dbSNP rs886039497, ClinGen allele CA10588636.